The following is an entry in ClinVar:

ClinVar aggregate classification (germline): Uncertain significance (1 of 4 stars; one submission).

Allele frequency attached by ClinVar (database versions not stated): gnomAD exomes 0.00001; TOPMed 0.00001; gnomAD 0.00002; ExAC 0.00004.
gnomAD v4.1: 23 of 1,613,688 alleles (0.0014%); highest among the groups gnomAD compares: East Asian, 0.0067%; no homozygotes.

Submission:

Labcorp Genetics (formerly Invitae), Labcorp
Classification: Uncertain significance. Last evaluated: 2023-12-30. Review status: criteria provided, single submitter. Criteria: Invitae Variant Classification Sherloc (09022015). Collection method: clinical testing. Allele origin: germline.
Comment: This sequence change replaces arginine, which is basic and polar, with histidine, which is basic and polar, at codon 1855 of the MYH7B protein (p.Arg1855His). This variant is present in population databases (rs757810338, gnomAD 0.02%). This variant has not been reported in the literature in individuals affected with MYH7B-related conditions. Advanced modeling of protein sequence and biophysical properties (such as structural, functional, and spatial information, amino acid conservation, physicochemical variation, residue mobility, and thermodynamic stability) performed at Invitae indicates that this missense variant is expected to disrupt MYH7B protein function with a positive predictive value of 80%. In summary, the available evidence is currently insufficient to determine the role of this variant in disease. Therefore, it has been classified as a Variant of Uncertain Significance.

NM_020884.7(MYH7B):c.5438G>A (p.Arg1813His)

Gene: MYH7B (myosin heavy chain 7B; plus strand). Cytogenetic location: 20q11.22.
Variant type: single nucleotide variant.
Coding change: c.5438G>A on transcript NM_020884.7 (MANE Select); coding-DNA position 5438, G replaced by A.
Protein change: p.Arg1813His; replaces arginine 1813 with histidine.
Molecular consequence: missense variant.
Genome position (GRCh38, 1-based): chr20:35,001,121, G>A. VCF-style: chr20-35001121-G-A. GRCh37 (hg19) VCF-style: chr20-33588924-G-A.
Other names: short protein forms R1813H.
Identifiers: ClinVar variation 2766116 (VCV002766116.3), dbSNP rs757810338, ClinGen allele CA9828559.